The following is an entry in ClinVar:

Conditions:
Breast-ovarian cancer, familial, susceptibility to, 1 (BROVCA1). Also called: BRCA1 Hereditary Breast and Ovarian Cancer; OVARIAN CANCER, SUSCEPTIBILITY TO. Identifiers: Orphanet 145, MedGen C2676676, MONDO:0011450, OMIM 604370. Disease mechanism: loss of function.

Submission:

Brotman Baty Institute, University of Washington
No classification provided (evidence only). Condition: Breast-ovarian cancer, familial 1. Review status: no classification provided. Collection method: in vitro. Allele origin: not applicable. Functional consequence: functionally_normal.
ClinVar note: "not provided" was previously submitted as the classification for the variant. However, the classification appeared to be based only on an observation of functional data so it was converted to no classification on 2025-07-30.

NM_007294.4(BRCA1):c.5026T>A (p.Leu1676Ile)

Gene: BRCA1 (BRCA1 DNA repair associated; minus strand). Cytogenetic location: 17q21.31.
Variant type: single nucleotide variant.
Coding change: c.5026T>A on transcript NM_007294.4 (MANE Select); coding-DNA position 5026, T replaced by A.
Protein change: p.Leu1676Ile; replaces leucine 1676 with isoleucine.
Molecular consequence: missense variant. On other transcripts: non-coding transcript variant (1).
Genome position (GRCh38, 1-based): chr17:43,067,656, A>T on the plus strand (T>A on the coding strand, the complement: BRCA1 is on the minus strand). VCF-style: chr17-43067656-A-T. GRCh37 (hg19) VCF-style: chr17-41219673-A-T.
Other names: c.4813T>A, p.Leu1605Ile (NM_001407571.1, NM_001407894.1, NM_001407895.1 and 12 more transcripts); c.5092T>A, p.Leu1698Ile (NM_001407581.1, NM_001407582.1); c.5089T>A, p.Leu1697Ile (NM_001407583.1, NM_001407585.1, NM_001407587.1 and 1 more transcripts); c.5086T>A, p.Leu1696Ile (NM_001407590.1, NM_001407591.1); c.5026T>A, p.Leu1676Ile (NM_001407593.1, NM_001407594.1, NM_001407596.1 and 8 more transcripts); c.5023T>A, p.Leu1675Ile (NM_001407610.1, NM_001407611.1, NM_001407612.1 and 17 more transcripts); c.5020T>A, p.Leu1674Ile (NM_001407627.1, NM_001407628.1, NM_001407629.1 and 14 more transcripts); c.5017T>A, p.Leu1673Ile (NM_001407644.1, NM_001407645.1); and 70 more; short protein forms L1629I, L1676I, L1697I, L572I, L1507I, L1565I, L1586I, L1588I.
Identifiers: ClinVar variation 868537 (VCV000868537.3), dbSNP rs1567772244, ClinGen allele CA10591464.